The following is an entry in ClinVar:

NM_000123.4(ERCC5):c.429C>G (p.Leu143=)

Genes: BIVM-ERCC5 (BIVM-ERCC5 readthrough; plus strand), ERCC5 (ERCC excision repair 5, endonuclease; plus strand). Cytogenetic location: 13q33.1.
Variant type: single nucleotide variant.
Coding change: c.429C>G on transcript NM_000123.4 (MANE Select); coding-DNA position 429, C replaced by G.
Protein change: p.Leu143=; no amino-acid change (leucine 143 retained).
Molecular consequence: synonymous variant.
Genome position (GRCh38, 1-based): chr13:102,854,336, C>G. VCF-style: chr13-102854336-C-G. GRCh37 (hg19) VCF-style: chr13-103506686-C-G.
Other names: c.1791C>G, p.Leu597= (NM_001204425.2); c.1791C>G (NM_001204425.1).
Identifiers: ClinVar variation 310912 (VCV000310912.19), dbSNP rs4140390, ClinGen allele CA7041146.

ClinVar aggregate classification (germline): Benign. Review status: criteria provided, multiple submitters, no conflicts (2 of 4 stars). 7 submissions from 7 submitters: Benign (6). 1 of the submissions does not count toward it. Last evaluated 2026-01-28.

Conditions:
Xeroderma pigmentosum, group G (XPG). Also called: XERODERMA PIGMENTOSUM VII; XP, GROUP G; Xeroderma pigmentosum type 7; ERCC5-Related Xeroderma Pigmentosum. Identifiers: MedGen C0268141, MONDO:0010216, OMIM 278780.

Allele frequency attached by ClinVar (database versions not stated): gnomAD exomes 0.00334 and 0.00876; ExAC 0.01032; gnomAD 0.02409 and 0.02517; ESP Exome Variant Server 0.02530; TOPMed 0.02680; 1000 Genomes Project 0.03714; 1000 Genomes Project 30x 0.03904.
gnomAD v4.1: 8,722 of 1,614,102 alleles (0.54%); highest among the groups gnomAD compares: African/African-American, 7.9%; 269 homozygotes.

Submissions (7):

Labcorp Genetics (formerly Invitae), Labcorp
Classification: Benign. Last evaluated: 2026-01-28. Review status: criteria provided, single submitter. Criteria: Invitae Variant Classification Sherloc (09022015). Collection method: clinical testing. Allele origin: germline.

KCCC/NGS Laboratory, Kuwait Cancer Control Center
Classification: Benign for Xeroderma pigmentosum, group G. Last evaluated: 2025-02-01. Review status: criteria provided, single submitter. Criteria: ACMG Guidelines, 2015. Collection method: clinical testing. Allele origin: germline. Affected: no.

GeneDx
Classification: Benign. Last evaluated: 2019-04-03. Review status: criteria provided, single submitter. Criteria: GeneDx Variant Classification Process June 2021. Collection method: clinical testing. Allele origin: germline. Affected: yes.

Illumina Laboratory Services, Illumina
Classification: Benign for Xeroderma pigmentosum, group G. Last evaluated: 2018-01-12. Review status: criteria provided, single submitter. Criteria: ICSL Variant Classification Criteria 13 December 2019. Collection method: clinical testing. Allele origin: germline.
Comment: This variant was observed in the ICSL laboratory as part of a predisposition screen in an ostensibly healthy population. It had not been previously curated by ICSL or reported in the Human Gene Mutation Database (HGMD: prior to June 1st, 2018), and was therefore a candidate for classification through an automated scoring system. Utilizing variant allele frequency, disease prevalence and penetrance estimates, and inheritance mode, an automated score was calculated to assess if this variant is too frequent to cause the disease. Based on the score and internal cut-off values, a variant classified as benign is not then subjected to further curation. The score for this variant resulted in a classification of benign for this disease.

Clinical Genetics DNA and cytogenetics Diagnostics Lab, Erasmus MC, Erasmus Medical Center
Classification: Benign for Xeroderma pigmentosum, group G. Last evaluated: 2015-09-21. Review status: criteria provided, single submitter. Criteria: ACGS Guidelines, 2013. Collection method: clinical testing. Allele origin: germline. Affected: yes. Study: VKGL Data-share Consensus.

Breakthrough Genomics
Classification: Benign. Review status: criteria provided, single submitter. Criteria: ACMG Guidelines, 2015. Collection method: not provided. Allele origin: germline. Inheritance: Autosomal recessive inheritance. Affected: yes.

Genome Diagnostics Laboratory, Amsterdam University Medical Center
Classification: Benign for Xeroderma pigmentosum, group G. Last evaluated: 2015-07-08. Review status: no assertion criteria provided. Criteria: ACGS Guidelines, 2013. Collection method: clinical testing. Allele origin: germline. Affected: yes. Study: VKGL Data-share Consensus. Not counted in ClinVar's aggregate classification.